The following is an entry in ClinVar:

NM_024870.4(PREX2):c.2625A>G (p.Glu875=)

Gene: PREX2 (phosphatidylinositol-3,4,5-trisphosphate dependent Rac exchange factor 2; plus strand). Cytogenetic location: 8q13.2.
Variant type: single nucleotide variant.
Coding change: c.2625A>G on transcript NM_024870.4 (MANE Select); coding-DNA position 2625, A replaced by G.
Protein change: p.Glu875=; no amino-acid change (glutamic acid 875 retained).
Molecular consequence: synonymous variant.
Genome position (GRCh38, 1-based): chr8:68,099,753, A>G. VCF-style: chr8-68099753-A-G. GRCh37 (hg19) VCF-style: chr8-69011988-A-G.
Other names: c.2625A>G, p.Glu875= (NM_025170.6).
Identifiers: ClinVar variation 2658642 (VCV002658642.24), dbSNP rs2536607535, ClinGen allele CA461311938.

ClinVar aggregate classification (germline): Likely benign (1 of 4 stars; one submission).

Submission:

CeGaT Center for Human Genetics Tuebingen
Classification: Likely benign. Last evaluated: 2022-03-01. Review status: criteria provided, single submitter. Criteria: CeGaT Center For Human Genetics Tuebingen Variant Classification Criteria Version 2. Collection method: clinical testing. Allele origin: germline. Affected: yes. Observed: 1 variant allele.
Comment: PREX2: PM2:Supporting, BP4, BP7